The following is an entry in ClinVar:

NM_000256.3(MYBPC3):c.506-2A>G

Gene: MYBPC3 (myosin binding protein C3; minus strand). Cytogenetic location: 11p11.2.
Variant type: single nucleotide variant.
Coding change: c.506-2A>G on transcript NM_000256.3 (MANE Select); the canonical splice acceptor site of the intron before coding-DNA position 506, A replaced by G.
Molecular consequence: splice acceptor variant.
Genome position (GRCh38, 1-based): chr11:47,349,924, T>C on the plus strand (A>G on the coding strand, the complement: MYBPC3 is on the minus strand). VCF-style: chr11-47349924-T-C. GRCh37 (hg19) VCF-style: chr11-47371475-T-C.
Identifiers: ClinVar variation 987456 (VCV000987456.15), dbSNP rs397516057, ClinGen allele CA380338279.

ClinVar aggregate classification (germline): Pathogenic/Likely pathogenic. Review status: criteria provided, multiple submitters, no conflicts (2 of 4 stars). 4 submissions from 4 submitters: Pathogenic (2); Likely pathogenic (2). Last evaluated 2025-05-20.

Conditions:
Hypertrophic cardiomyopathy 4. Also called: Familial hypertrophic cardiomyopathy 4. Identifiers: MedGen C1861862, MONDO:0007268, OMIM 115197.

Submissions (4):

Institute of Human Genetics Munich, TUM University Hospital
Classification: Pathogenic for Hypertrophic cardiomyopathy 4. Last evaluated: 2025-05-20. Review status: criteria provided, single submitter. Criteria: Classification criteria August 2017. Collection method: clinical testing. Allele origin: germline. Inheritance: Autosomal dominant inheritance. Affected: yes. Observed: 1 variant allele.

CeGaT Center for Human Genetics Tuebingen
Classification: Pathogenic. Last evaluated: 2025-04-01. Review status: criteria provided, single submitter. Criteria: CeGaT Center For Human Genetics Tuebingen Variant Classification Criteria Version 2. Collection method: clinical testing. Allele origin: germline. Affected: yes. Observed: 1 variant allele.
Comment: MYBPC3: PVS1, PM2, PS1:Supporting

Human Genetics Bochum, Ruhr University Bochum
Classification: Likely pathogenic for Hypertrophic cardiomyopathy 4. Last evaluated: 2025-02-03. Review status: criteria provided, single submitter. Criteria: ACMG Guidelines, 2015. Collection method: clinical testing. Allele origin: germline. Affected: yes.
Comment: ACMG criteria used to clasify this variant: PVS1, PM2_SUP

Institute of Medical Genetics and Applied Genomics, University Hospital Tübingen
Classification: Likely pathogenic. Last evaluated: 2020-10-23. Review status: criteria provided, single submitter. Criteria: ACMG Guidelines, 2015. Collection method: clinical testing. Allele origin: germline. Inheritance: Autosomal dominant inheritance. Affected: yes.